The following is an entry in ClinVar:

NM_053025.4(MYLK):c.250G>A (p.Gly84Ser)

Gene: MYLK (myosin light chain kinase; minus strand). Cytogenetic location: 3q21.1.
Variant type: single nucleotide variant.
Coding change: c.250G>A on transcript NM_053025.4 (MANE Select); coding-DNA position 250, G replaced by A.
Protein change: p.Gly84Ser; replaces glycine 84 with serine.
Molecular consequence: missense variant. On other transcripts: intron variant (1).
Genome position (GRCh38, 1-based): chr3:123,752,454, C>T on the plus strand (G>A on the coding strand, the complement: MYLK is on the minus strand). VCF-style: chr3-123752454-C-T. GRCh37 (hg19) VCF-style: chr3-123471301-C-T.
Other names: c.250G>A, p.Gly84Ser (NM_053026.4, NM_053027.4, NM_053028.4); c.-155-12453G>A (NM_001321309.2); short protein forms G84S.
Identifiers: ClinVar variation 915657 (VCV000915657.14), dbSNP rs568619953, ClinGen allele CA068919.

ClinVar aggregate classification (germline): Conflicting classifications of pathogenicity. Review status: criteria provided, conflicting classifications (1 of 4 stars). 6 submissions from 6 submitters: Uncertain significance (5); Likely benign (1). Last evaluated 2025-11-23.

Conditions:
Aortic aneurysm, familial thoracic 7 (AAT7). Also called: AORTIC DISSECTION, FAMILIAL, WITH OR WITHOUT AORTIC ANEURYSM. Identifiers: MedGen C3151077, MONDO:0013418, OMIM 613780.
Megacystis-microcolon-intestinal hypoperistalsis syndrome 1. Identifiers: MedGen C5542316, MONDO:0100354, OMIM 249210.
Familial thoracic aortic aneurysm and aortic dissection (TAAD). Also called: Thoracic aortic aneurysms and dissections. Identifiers: Orphanet 91387, MedGen C4707243, MONDO:0019625.

Allele frequency attached by ClinVar (database versions not stated): gnomAD 0.00001; gnomAD exomes 0.00003; TOPMed 0.00003; ExAC 0.00005; 1000 Genomes Project 30x 0.00016; 1000 Genomes Project 0.00020.
gnomAD v4.1: 84 of 1,614,154 alleles (0.0052%); highest among the groups gnomAD compares: South Asian, 0.0077%; no homozygotes.

Submissions (6):

GeneDx
Classification: Uncertain significance. Last evaluated: 2025-11-23. Review status: criteria provided, single submitter. Criteria: GeneDx Variant Classification Process June 2021. Collection method: clinical testing. Allele origin: germline. Affected: yes.
Comment: Has not been previously published as pathogenic or benign to our knowledge; In silico analysis suggests that this missense variant does not alter protein structure/function

Labcorp Genetics (formerly Invitae), Labcorp
Classification: Uncertain significance for Aortic aneurysm, familial thoracic 7. Last evaluated: 2025-07-22. Review status: criteria provided, single submitter. Criteria: Invitae Variant Classification Sherloc (09022015). Collection method: clinical testing. Allele origin: germline.
Comment: This sequence change replaces glycine, which is neutral and non-polar, with serine, which is neutral and polar, at codon 84 of the MYLK protein (p.Gly84Ser). This variant is present in population databases (rs568619953, gnomAD 0.006%). This variant has not been reported in the literature in individuals affected with MYLK-related conditions. ClinVar contains an entry for this variant (Variation ID: 915657). Invitae Evidence Modeling of protein sequence and biophysical properties (such as structural, functional, and spatial information, amino acid conservation, physicochemical variation, residue mobility, and thermodynamic stability) indicates that this missense variant is not expected to disrupt MYLK protein function with a negative predictive value of 95%. In summary, the available evidence is currently insufficient to determine the role of this variant in disease. Therefore, it has been classified as a Variant of Uncertain Significance.

Ambry Genetics
Classification: Likely benign for Familial thoracic aortic aneurysm and aortic dissection. Last evaluated: 2024-04-25. Review status: criteria provided, single submitter. Criteria: Ambry Variant Classification Scheme 2023. Collection method: clinical testing. Allele origin: germline.

Women's Health and Genetics/Laboratory Corporation of America, LabCorp
Classification: Uncertain significance. Last evaluated: 2023-07-05. Review status: criteria provided, single submitter. Criteria: LabCorp Variant Classification Summary - May 2015. Collection method: clinical testing. Allele origin: germline.
Comment: Variant summary: MYLK c.250G>A (p.Gly84Ser) results in a non-conservative amino acid change located in the Immunoglobulin subtype 2 domain (IPR003598) of the encoded protein sequence. Four of five in-silico tools predict a benign effect of the variant on protein function. The variant allele was found at a frequency of 3.2e-05 in 251188 control chromosomes (gnomAD). The available data on variant occurrences in the general population are insufficient to allow any conclusion about variant significance. To our knowledge, no occurrence of c.250G>A in individuals affected with Thoracic Aortic Aneurysms And Dissections and no experimental evidence demonstrating its impact on protein function have been reported. Four ClinVar submitters have assessed the variant since 2014: all four classified the variant as uncertain significance. Based on the evidence outlined above, the variant was classified as uncertain significance.

Fulgent Genetics
Classification: Uncertain significance for Megacystis-microcolon-intestinal hypoperistalsis syndrome 1; Aortic aneurysm, familial thoracic 7. Last evaluated: 2022-02-09. Review status: criteria provided, single submitter. Criteria: ACMG Guidelines, 2015. Collection method: clinical testing. Allele origin: unknown.

CHEO Genetics Diagnostic Laboratory, Children's Hospital of Eastern Ontario
Classification: Uncertain significance for Familial thoracic aortic aneurysm and aortic dissection. Last evaluated: 2019-01-22. Review status: criteria provided, single submitter. Criteria: ACMG Guidelines, 2015. Collection method: clinical testing. Allele origin: germline.